The following is an entry in ClinVar:

ClinVar aggregate classification (germline): Uncertain significance (1 of 4 stars; one submission).

Allele frequency attached by ClinVar (database versions not stated): gnomAD exomes below 0.00001; ExAC 0.00001.
gnomAD v4.1: 1 of 1,614,170 alleles (0.000062%); highest among the groups gnomAD compares: Non-Finnish European, 0.000085%; no homozygotes.

Submission:

Labcorp Genetics (formerly Invitae), Labcorp
Classification: Uncertain significance. Last evaluated: 2022-08-09. Review status: criteria provided, single submitter. Criteria: Invitae Variant Classification Sherloc (09022015). Collection method: clinical testing. Allele origin: germline.
Comment: In summary, the available evidence is currently insufficient to determine the role of this variant in disease. Therefore, it has been classified as a Variant of Uncertain Significance. Algorithms developed to predict the effect of missense changes on protein structure and function (SIFT, PolyPhen-2, Align-GVGD) all suggest that this variant is likely to be disruptive. ClinVar contains an entry for this variant (Variation ID: 1398978). This variant has not been reported in the literature in individuals affected with TREM2-related conditions. This variant is present in population databases (rs779888024, gnomAD 0.0009%). This sequence change replaces tyrosine, which is neutral and polar, with cysteine, which is neutral and slightly polar, at codon 108 of the TREM2 protein (p.Tyr108Cys).

NM_018965.4(TREM2):c.323A>G (p.Tyr108Cys)

Gene: TREM2 (triggering receptor expressed on myeloid cells 2; minus strand). Cytogenetic location: 6p21.1.
Variant type: single nucleotide variant.
Coding change: c.323A>G on transcript NM_018965.4 (MANE Select); coding-DNA position 323, A replaced by G.
Protein change: p.Tyr108Cys; replaces tyrosine 108 with cysteine.
Molecular consequence: missense variant.
Genome position (GRCh38, 1-based): chr6:41,161,331, T>C on the plus strand (A>G on the coding strand, the complement: TREM2 is on the minus strand). VCF-style: chr6-41161331-T-C. GRCh37 (hg19) VCF-style: chr6-41129069-T-C.
Other names: c.323A>G, p.Tyr108Cys (NM_001271821.2); short protein forms Y108C.
Identifiers: ClinVar variation 1398978 (VCV001398978.8), dbSNP rs779888024, ClinGen allele CA3798927.